The following is an entry in ClinVar:

NM_001267550.2(TTN):c.105224C>T (p.Ala35075Val)

Genes: TTN-AS1 (TTN antisense RNA 1; plus strand), TTN (titin; minus strand). Cytogenetic location: 2q31.2.
Variant type: single nucleotide variant.
Coding change: c.105224C>T on transcript NM_001267550.2 (MANE Select); coding-DNA position 105224, C replaced by T.
Protein change: p.Ala35075Val; replaces alanine 35075 with valine.
Molecular consequence: missense variant.
Genome position (GRCh38, 1-based): chr2:178,531,391, G>A on the plus strand (C>T on the coding strand, the complement: TTN is on the minus strand). VCF-style: chr2-178531391-G-A. GRCh37 (hg19) VCF-style: chr2-179396118-G-A.
Other names: c.100301C>T, p.Ala33434Val (NM_001256850.1); c.78029C>T, p.Ala26010Val (NM_003319.4); c.97520C>T, p.Ala32507Val (NM_133378.4); c.78404C>T, p.Ala26135Val (NM_133432.3); c.78605C>T, p.Ala26202Val (NM_133437.4); short protein forms A26135V, A26010V, A33434V, A35075V, A26202V, A32507V.
Identifiers: ClinVar variation 2926146 (VCV002926146.3), dbSNP rs1259196099, ClinGen allele CA349409224.

ClinVar aggregate classification (germline): Uncertain significance (1 of 4 stars; one submission).

Conditions:
Dilated cardiomyopathy 1G (CMD1G). Identifiers: Orphanet 154, MedGen C1858763, MONDO:0011400, OMIM 604145.
Autosomal recessive limb-girdle muscular dystrophy type 2J (LGMDR10). Also called: Limb-girdle muscular dystrophy, type 2J; MUSCULAR DYSTROPHY, LIMB-GIRDLE, AUTOSOMAL RECESSIVE 10. Identifiers: Orphanet 140922, MedGen C1837342, MONDO:0012127, OMIM 608807.

Allele frequency attached by ClinVar (database versions not stated): gnomAD exomes 0.00001; TOPMed 0.00001; gnomAD 0.00003.
gnomAD v4.1: 10 of 1,613,894 alleles (0.00062%); highest among the groups gnomAD compares: Non-Finnish European, 0.00085%; no homozygotes.

Submission:

Labcorp Genetics (formerly Invitae), Labcorp
Classification: Uncertain significance for Dilated cardiomyopathy 1G; Autosomal recessive limb-girdle muscular dystrophy type 2J. Last evaluated: 2023-12-23. Review status: criteria provided, single submitter. Criteria: Invitae Variant Classification Sherloc (09022015). Collection method: clinical testing. Allele origin: germline.
Comment: This sequence change replaces alanine, which is neutral and non-polar, with valine, which is neutral and non-polar, at codon 35075 of the TTN protein (p.Ala35075Val). This variant is present in population databases (no rsID available, gnomAD 0.01%). This variant has not been reported in the literature in individuals affected with TTN-related conditions. Experimental studies and prediction algorithms are not available or were not evaluated, and the functional significance of this variant is currently unknown. This variant is located in the M band of TTN (PMID: 25589632). Non-truncating variants in this region may be relevant for neuromuscular disorders, but have not been definitively shown to cause cardiomyopathy (PMID: 23975875). In summary, the available evidence is currently insufficient to determine the role of this variant in disease. Therefore, it has been classified as a Variant of Uncertain Significance.

Literature cited by the submitters: PubMed 25589632; PubMed 23975875.